The following is an entry in ClinVar:

ClinVar aggregate classification (germline): Uncertain significance. Review status: criteria provided, multiple submitters, no conflicts (2 of 4 stars). 2 submissions from 2 submitters: Uncertain significance (2). Last evaluated 2024-12-23.

gnomAD v4.1: 187 of 1,613,522 alleles (0.012%); highest among the groups gnomAD compares: Non-Finnish European, 0.015%; no homozygotes.

Submissions (2):

Labcorp Genetics (formerly Invitae), Labcorp
Classification: Uncertain significance. Last evaluated: 2024-12-23. Review status: criteria provided, single submitter. Criteria: Invitae Variant Classification Sherloc (09022015). Collection method: clinical testing. Allele origin: germline.
Comment: This sequence change replaces aspartic acid, which is acidic and polar, with histidine, which is basic and polar, at codon 306 of the ASRGL1 protein (p.Asp306His). This variant is present in population databases (rs777744851, gnomAD 0.009%). This variant has not been reported in the literature in individuals affected with ASRGL1-related conditions. ClinVar contains an entry for this variant (Variation ID: 1381979). An algorithm developed to predict the effect of missense changes on protein structure and function (PolyPhen-2) suggests that this variant is likely to be tolerated. In summary, the available evidence is currently insufficient to determine the role of this variant in disease. Therefore, it has been classified as a Variant of Uncertain Significance.

Ambry Genetics
Classification: Uncertain significance. Last evaluated: 2024-08-05. Review status: criteria provided, single submitter. Criteria: Ambry Variant Classification Scheme 2023. Collection method: clinical testing. Allele origin: germline.

NM_001083926.2(ASRGL1):c.916G>C (p.Asp306His)

Gene: ASRGL1 (asparaginase and isoaspartyl peptidase 1; plus strand). Cytogenetic location: 11q12.3.
Variant type: single nucleotide variant.
Coding change: c.916G>C on transcript NM_001083926.2 (MANE Select); coding-DNA position 916, G replaced by C.
Protein change: p.Asp306His; replaces aspartic acid 306 with histidine.
Molecular consequence: missense variant.
Genome position (GRCh38, 1-based): chr11:62,392,273, G>C. VCF-style: chr11-62392273-G-C. GRCh37 (hg19) VCF-style: chr11-62159745-G-C.
Other names: c.916G>C (NM_001083926.1); c.916G>C, p.Asp306His (NM_025080.4); short protein forms D306H.
Identifiers: ClinVar variation 1381979 (VCV001381979.9), dbSNP rs777744851, ClinGen allele CA6043360.